The following is an entry in ClinVar:

ClinVar aggregate classification (germline): Uncertain significance (1 of 4 stars; one submission).

Submission:

Labcorp Genetics (formerly Invitae), Labcorp
Classification: Uncertain significance. Last evaluated: 2022-06-13. Review status: criteria provided, single submitter. Criteria: Invitae Variant Classification Sherloc (09022015). Collection method: clinical testing. Allele origin: germline.
Comment: Algorithms developed to predict the effect of missense changes on protein structure and function are either unavailable or do not agree on the potential impact of this missense change (SIFT: "Tolerated"; PolyPhen-2: "Probably Damaging"; Align-GVGD: "Class C0"). In summary, the available evidence is currently insufficient to determine the role of this variant in disease. Therefore, it has been classified as a Variant of Uncertain Significance. This variant has not been reported in the literature in individuals affected with C2CD3-related conditions. This variant is not present in population databases (gnomAD no frequency). This sequence change replaces arginine, which is basic and polar, with glycine, which is neutral and non-polar, at codon 1375 of the C2CD3 protein (p.Arg1375Gly).

NM_001286577.2(C2CD3):c.4123A>G (p.Arg1375Gly)

Gene: C2CD3 (C2 domain containing 3 centriole elongation regulator; minus strand). Cytogenetic location: 11q13.4.
Variant type: single nucleotide variant.
Coding change: c.4123A>G on transcript NM_001286577.2 (MANE Select); coding-DNA position 4123, A replaced by G.
Protein change: p.Arg1375Gly; replaces arginine 1375 with glycine.
Molecular consequence: missense variant.
Genome position (GRCh38, 1-based): chr11:74,078,595, T>C on the plus strand (A>G on the coding strand, the complement: C2CD3 is on the minus strand). VCF-style: chr11-74078595-T-C. GRCh37 (hg19) VCF-style: chr11-73789640-T-C.
Other names: c.4123A>G, p.Arg1375Gly (NM_015531.6); short protein forms R1375G.
Identifiers: ClinVar variation 1946876 (VCV001946876.5), dbSNP rs2496362212, ClinGen allele CA381818809.